The following is an entry in ClinVar:

NM_021076.4(NEFH):c.1376_1379del (p.Glu459fs)

Gene: NEFH (neurofilament heavy chain; plus strand). Cytogenetic location: 22q12.2.
Variant type: Deletion.
Coding change: c.1376_1379del on transcript NM_021076.4 (MANE Select); coding-DNA positions 1376 to 1379, 4 bases deleted (AACA; older notation c.1376_1379delAACA).
Protein change: p.Glu459fs; shifts the reading frame from glutamic acid 459.
Molecular consequence: frameshift variant.
Genome position (GRCh38, 1-based): chr22:29,489,016-29,489,019, AACA deleted. VCF-style (leftmost placement, unchanged base first): chr22-29489015-GAACA-G. GRCh37 (hg19) VCF-style: chr22-29885004-GAACA-G.
Other names: short protein forms E459fs.
Identifiers: ClinVar variation 976269 (VCV000976269.4), dbSNP rs1404118739, ClinGen allele CA638955316.

ClinVar aggregate classification (germline): Uncertain significance. Review status: criteria provided, multiple submitters, no conflicts (2 of 4 stars). 2 submissions from 2 submitters: Uncertain significance (2). Last evaluated 2025-04-20.

Conditions:
Amyotrophic lateral sclerosis type 1 (ALS1). Also called: AMYOTROPHIC LATERAL SCLEROSIS 1, FAMILIAL. Identifiers: Orphanet 803, MedGen C1862939, MONDO:0007103, OMIM 105400.

Allele frequency attached by ClinVar (database versions not stated): gnomAD exomes below 0.00001; TOPMed 0.00001.

Submissions (2):

Labcorp Genetics (formerly Invitae), Labcorp
Classification: Uncertain significance. Last evaluated: 2025-04-20. Review status: criteria provided, single submitter. Criteria: Invitae Variant Classification Sherloc (09022015). Collection method: clinical testing. Allele origin: germline.
Comment: This sequence change creates a premature translational stop signal (p.Glu459Glyfs*7) in the NEFH gene. While this is not anticipated to result in nonsense mediated decay, it is expected to disrupt the last 562 amino acid(s) of the NEFH protein. This variant is present in population databases (no rsID available, gnomAD 0.01%). This premature translational stop signal has been observed in individual(s) with amyotrophic lateral sclerosis (PMID: 29650794). ClinVar contains an entry for this variant (Variation ID: 976269). Experimental studies and prediction algorithms are not available or were not evaluated, and the functional significance of this variant is currently unknown. In summary, the available evidence is currently insufficient to determine the role of this variant in disease. Therefore, it has been classified as a Variant of Uncertain Significance.

Institute of Human Genetics, University of Leipzig Medical Center
Classification: Uncertain significance for Amyotrophic lateral sclerosis type 1. Last evaluated: 2019-11-27. Review status: criteria provided, single submitter. Criteria: ACMG Guidelines, 2015. Collection method: clinical testing. Allele origin: germline. Affected: yes. Observed: 1 variant allele.

Literature cited by the submitters: PubMed 29650794 (cited by Labcorp Genetics (formerly Invitae), Labcorp).